The following is an entry in ClinVar:

NM_001458.5(FLNC):c.772C>T (p.Pro258Ser)

Gene: FLNC (filamin C; plus strand). Cytogenetic location: 7q32.1.
Variant type: single nucleotide variant.
Coding change: c.772C>T on transcript NM_001458.5 (MANE Select); coding-DNA position 772, C replaced by T.
Protein change: p.Pro258Ser; replaces proline 258 with serine.
Molecular consequence: missense variant.
Genome position (GRCh38, 1-based): chr7:128,837,470, C>T. VCF-style: chr7-128837470-C-T. GRCh37 (hg19) VCF-style: chr7-128477524-C-T.
Other names: c.772C>T, p.Pro258Ser (NM_001127487.2); short protein forms P258S.
Identifiers: ClinVar variation 4812631 (VCV004812631.1).
Genomic context (GRCh38, chr7:128,837,470, plus strand): 5'-GAGGAGATTGTGGACCCCAACGTGGATGAGCATTCTGTTATGACCTACCTGTCCCAGTTC[C>T]CCAAGGCCAAGCTCAAACCTGGTGCCCCTGTTCGATCCAAGCAGCTGAACCCCAAGAAAG-3'
Protein context (NP_001449.3, residues 248-268): HSVMTYLSQF[Pro258Ser]KAKLKPGAPV

ClinVar aggregate classification (germline): Uncertain significance (1 of 4 stars; one submission).

Conditions:
Hypertrophic cardiomyopathy 26. Also called: Cardiomyopathy, familial hypertrophic, 26. Identifiers: Orphanet 75249, MedGen C4310749, MONDO:0014883, OMIM 617047.
Myofibrillar myopathy 5. Also called: Filaminopathy (type); FILAMINOPATHY, AUTOSOMAL DOMINANT. Identifiers: Orphanet 171445, MedGen C1836050, MONDO:0012289, OMIM 609524.
Distal myopathy with posterior leg and anterior hand involvement. Also called: WILLIAMS DISTAL MYOPATHY. Identifiers: Orphanet 63273, MedGen C3279722, MONDO:0013550, OMIM 614065.

Submission:

Labcorp Genetics (formerly Invitae), Labcorp
Classification: Uncertain significance for Distal myopathy with posterior leg and anterior hand involvement; Myofibrillar myopathy 5; Hypertrophic cardiomyopathy 26. Last evaluated: 2025-08-11. Review status: criteria provided, single submitter. Criteria: Invitae Variant Classification Sherloc (09022015). Collection method: clinical testing. Allele origin: germline.
Comment: This sequence change replaces proline, which is neutral and non-polar, with serine, which is neutral and polar, at codon 258 of the FLNC protein (p.Pro258Ser). This variant is not present in population databases (gnomAD no frequency). This variant has not been reported in the literature in individuals affected with FLNC-related conditions. Invitae Evidence Modeling of protein sequence and biophysical properties (such as structural, functional, and spatial information, amino acid conservation, physicochemical variation, residue mobility, and thermodynamic stability) has been performed for this missense variant. However, the output from this modeling did not meet the statistical confidence thresholds required to predict the impact of this variant on FLNC protein function. In summary, the available evidence is currently insufficient to determine the role of this variant in disease. Therefore, it has been classified as a Variant of Uncertain Significance.